The following is an entry in ClinVar:

NM_000217.3(KCNA1):c.60G>A (p.Gln20=)

Gene: KCNA1 (potassium voltage-gated channel subfamily A member 1; plus strand). Cytogenetic location: 12p13.32.
Variant type: single nucleotide variant.
Coding change: c.60G>A on transcript NM_000217.3 (MANE Select); coding-DNA position 60, G replaced by A.
Protein change: p.Gln20=; no amino-acid change (glutamine 20 retained).
Molecular consequence: synonymous variant.
Genome position (GRCh38, 1-based): chr12:4,911,438, G>A. VCF-style: chr12-4911438-G-A. GRCh37 (hg19) VCF-style: chr12-5020604-G-A.
Identifiers: ClinVar variation 2160846 (VCV002160846.5), dbSNP rs201504073, ClinGen allele CA478093948.

ClinVar aggregate classification (germline): Likely benign. Review status: criteria provided, multiple submitters, no conflicts (2 of 4 stars). 2 submissions from 2 submitters: Likely benign (2). Last evaluated 2026-09-01.

Conditions:
Episodic ataxia type 1 (EA1). Also called: MYOKYMIA WITH PERIODIC ATAXIA; ATAXIA, EPISODIC, WITH MYOKYMIA; Episodic ataxia/myokymia syndrome; PAROXYSMAL ATAXIA WITH NEUROMYOTONIA, HEREDITARY. Identifiers: Orphanet 37612, Orphanet 972, MedGen C1719788, MONDO:0008047, OMIM 160120.

gnomAD v4.1: 3 of 1,613,728 alleles (0.00019%); highest among the groups gnomAD compares: Non-Finnish European, 0.00025%; no homozygotes.

Submissions (2):

CeGaT Center for Human Genetics Tuebingen
Classification: Likely benign. Last evaluated: 2026-09-01. Review status: criteria provided, single submitter. Criteria: CeGaT Center For Human Genetics Tuebingen Variant Classification Criteria Version 2. Collection method: clinical testing. Allele origin: germline. Affected: yes. Observed: 1 variant allele.
Comment: KCNA1: BP4, BP7

Labcorp Genetics (formerly Invitae), Labcorp
Classification: Likely benign for Episodic ataxia type 1. Last evaluated: 2024-08-05. Review status: criteria provided, single submitter. Criteria: Invitae Variant Classification Sherloc (09022015). Collection method: clinical testing. Allele origin: germline.